The following is an entry in ClinVar:

NM_015978.3(TNNI3K):c.538G>T (p.Glu180Ter)

Genes: FPGT-TNNI3K (FPGT-TNNI3K readthrough; plus strand), TNNI3K (TNNI3 interacting kinase; plus strand). Cytogenetic location: 1p31.1.
Variant type: single nucleotide variant.
Coding change: c.538G>T on transcript NM_015978.3 (MANE Select); coding-DNA position 538, G replaced by T.
Protein change: p.Glu180Ter; replaces glutamic acid 180 with a stop codon.
Molecular consequence: nonsense.
Genome position (GRCh38, 1-based): chr1:74,331,543, G>T. VCF-style: chr1-74331543-G-T. GRCh37 (hg19) VCF-style: chr1-74797227-G-T.
Other names: c.841G>T, p.Glu281Ter (NM_001112808.3, NM_001199327.2); short protein forms E180*, E281*.
Identifiers: ClinVar variation 1802225 (VCV001802225.8), dbSNP rs746684996, ClinGen allele CA908932.
Genomic context (GRCh38, chr1:74,331,543, plus strand): 5'-GTCAATATTCAAGATGCAGTTTTTTTCACTCCATTGCATATTGCAGCGTACTATGGACAT[G>T]AACAGGTAAGTCTGACAGTAGGATTTCCAAAGGTTAGGTGTTGCTTAAGTGTAGGCTTTT-3'

ClinVar aggregate classification (germline): Conflicting classifications of pathogenicity. Review status: criteria provided, conflicting classifications (1 of 4 stars). 2 submissions from 2 submitters: Likely pathogenic (1); Uncertain significance (1). Last evaluated 2025-12-25.

Conditions:
Atrial conduction disease. Identifiers: Orphanet 436242, MedGen CN221670, MONDO:0014500.

Allele frequency attached by ClinVar (database versions not stated): ExAC 0.00002.
gnomAD v4.1: 7 of 1,610,110 alleles (0.00043%); highest among the groups gnomAD compares: South Asian, 0.0077%; no homozygotes.

Submissions (2):

Labcorp Genetics (formerly Invitae), Labcorp
Classification: Uncertain significance. Last evaluated: 2025-12-25. Review status: criteria provided, single submitter. Criteria: Invitae Variant Classification Sherloc (09022015). Collection method: clinical testing. Allele origin: germline.
Comment: This sequence change creates a premature translational stop signal (p.Glu180*) in the TNNI3K gene. It is expected to result in an absent or disrupted protein product. However, the current clinical and genetic evidence is not sufficient to establish whether loss-of-function variants in TNNI3K cause disease. This variant is present in population databases (rs746684996, gnomAD 0.01%). This variant has not been reported in the literature in individuals affected with TNNI3K-related conditions. ClinVar contains an entry for this variant (Variation ID: 1802225). In summary, the available evidence is currently insufficient to determine the role of this variant in disease. Therefore, it has been classified as a Variant of Uncertain Significance.

Diagnostics Services (NGS), CSIR - Centre For Cellular And Molecular Biology
Classification: Likely pathogenic for Cardiac conduction disease with or without dilated cardiomyopathy 1. Last evaluated: 2022-08-11. Review status: criteria provided, single submitter. Criteria: ACMG Guidelines, 2015. Collection method: clinical testing. Allele origin: unknown. Affected: yes. Observed: 1 variant allele, 1 heterozygote.
Comment: The c.538G>T variant is not present in publicly available population databases like 1000 Genomes and Exome Variant Server (EVS) and Indian Exome Database. The variant is present in Exome Aggregation Consortium (ExAC) and Genome Aggregation Database (gnomAD), at a low frequency. The variant not present in our in-house exome database. This variant has not been published in literature or reported to clinical databases like ClinVar, Human Genome Mutation Database (HGMD) and OMIM, in any affected individuals. In-silico pathogenicity prediction programs like MutationTaster2, CADD, Varsome, Franklin etc. predicted this variant to be likely deleterious. This alteration is expected to result in loss of function by premature protein truncation or nonsense-mediated mRNA decay.